The following is an entry in ClinVar:

ClinVar aggregate classification (germline): Uncertain significance. Review status: criteria provided, multiple submitters, no conflicts (2 of 4 stars). 4 submissions from 4 submitters: Uncertain significance (2). 2 of the submissions do not count toward it. Last evaluated 2022-10-14.

Conditions:
VPS13B-related disorder. Also called: VPS13B-related condition.
Cohen syndrome (COH1). Also called: Cutis verticis gyrata, retinitis pigmentosa, and sensorineural deafness; PEPPER SYNDROME. Identifiers: Orphanet 193, MedGen C0265223, MONDO:0008999, OMIM 216550.
Inborn genetic diseases. Identifiers: MedGen C0950123, MeSH D030342.

Allele frequency attached by ClinVar (database versions not stated): gnomAD exomes 0.00005 and 0.00003; TOPMed 0.00001; gnomAD 0.00003; ExAC 0.00006.
gnomAD v4.1: 43 of 1,613,738 alleles (0.0027%); highest among the groups gnomAD compares: Non-Finnish European, 0.0031%; no homozygotes.

Submissions (4):

Labcorp Genetics (formerly Invitae), Labcorp
Classification: Uncertain significance for Cohen syndrome. Last evaluated: 2022-10-14. Review status: criteria provided, single submitter. Criteria: Invitae Variant Classification Sherloc (09022015). Collection method: clinical testing. Allele origin: germline.
Comment: This sequence change replaces valine, which is neutral and non-polar, with isoleucine, which is neutral and non-polar, at codon 2929 of the VPS13B protein (p.Val2929Ile). This variant is present in population databases (rs750349908, gnomAD 0.02%). This variant has not been reported in the literature in individuals affected with VPS13B-related conditions. ClinVar contains an entry for this variant (Variation ID: 986163). Advanced modeling of protein sequence and biophysical properties (such as structural, functional, and spatial information, amino acid conservation, physicochemical variation, residue mobility, and thermodynamic stability) performed at Invitae indicates that this missense variant is not expected to disrupt VPS13B protein function. In summary, the available evidence is currently insufficient to determine the role of this variant in disease. Therefore, it has been classified as a Variant of Uncertain Significance.

Ambry Genetics
Classification: Uncertain significance for Inborn genetic diseases. Last evaluated: 2018-07-20. Review status: criteria provided, single submitter. Criteria: Ambry exome assertion method (8-5-2015). Collection method: clinical testing. Allele origin: germline. Affected: yes. Observed: 1 variant allele.

PreventionGenetics, part of Exact Sciences
Classification: Uncertain significance for VPS13B-related condition. Last evaluated: 2024-05-12. Review status: no assertion criteria provided. Collection method: clinical testing. Allele origin: germline. Not counted in ClinVar's aggregate classification.
Comment: The VPS13B c.8710G>A variant is predicted to result in the amino acid substitution p.Val2904Ile. To our knowledge, this variant has not been reported in the literature. This variant is reported in 0.016% of alleles in individuals of European (Finnish) descent in gnomAD. At this time, the clinical significance of this variant is uncertain due to the absence of conclusive functional and genetic evidence.

Natera, Inc.
Classification: Uncertain significance for Cohen syndrome. Last evaluated: 2020-02-05. Review status: no assertion criteria provided. Collection method: clinical testing. Allele origin: germline. Not counted in ClinVar's aggregate classification.

NM_152564.5(VPS13B):c.8710G>A (p.Val2904Ile)

Gene: VPS13B (vacuolar protein sorting 13 homolog B; plus strand). Cytogenetic location: 8q22.2.
Variant type: single nucleotide variant.
Coding change: c.8710G>A on transcript NM_152564.5 (MANE Select); coding-DNA position 8710, G replaced by A.
Protein change: p.Val2904Ile; replaces valine 2904 with isoleucine.
Molecular consequence: missense variant.
Genome position (GRCh38, 1-based): chr8:99,819,500, G>A. VCF-style: chr8-99819500-G-A. GRCh37 (hg19) VCF-style: chr8-100831728-G-A.
Other names: c.8710G>A (NM_152564.4); c.8785G>A, p.Val2929Ile (NM_017890.5); short protein forms V2904I, V2929I.
Identifiers: ClinVar variation 986163 (VCV000986163.8), dbSNP rs750349908, ClinGen allele CA4824527.